The following is an entry in ClinVar:

NM_001353214.3(DYM):c.1678C>T (p.Gln560Ter)

Gene: DYM (dymeclin; minus strand). Cytogenetic location: 18q21.1.
Variant type: single nucleotide variant.
Coding change: c.1678C>T on transcript NM_001353214.3 (MANE Select); coding-DNA position 1678, C replaced by T.
Protein change: p.Gln560Ter; replaces glutamine 560 with a stop codon.
Molecular consequence: nonsense.
Genome position (GRCh38, 1-based): chr18:49,163,735, G>A on the plus strand (C>T on the coding strand, the complement: DYM is on the minus strand). VCF-style: chr18-49163735-G-A. GRCh37 (hg19) VCF-style: chr18-46690105-G-A.
Other names: c.1510C>T, p.Gln504Ter (NM_001353210.3, NM_001353211.3, NM_001374435.1 and 1 more transcripts); c.1675C>T, p.Gln559Ter (NM_001353212.3, NM_001353213.3); c.1678C>T, p.Gln560Ter (NM_001353215.3, NM_001374428.1, NM_001374430.1 and 1 more transcripts); c.1513C>T, p.Gln505Ter (NM_001353216.3, NM_001374433.1, NM_001374434.1 and 1 more transcripts); c.1672C>T, p.Gln558Ter (NM_001374429.1); c.1552C>T, p.Gln518Ter (NM_001374432.1); c.1387C>T, p.Gln463Ter (NM_001374436.1); c.1330C>T, p.Gln444Ter (NM_001374437.1); and 5 more; short protein forms Q314*, Q370*, Q429*, Q463*, Q503*, Q518*, Q558*, Q315*.
Identifiers: ClinVar variation 1982956 (VCV001982956.1), dbSNP rs770130369, ClinGen allele CA8958055.
Genomic context (GRCh38, chr18:49,163,735, plus strand): 5'-AACTACTTACATAATCTGGTAGAGGAACATCATTAGAACTCAGCGAACCTCTCAAGGACT[G>A]TGTGGCTTGTTCCAGAACTTTGTTGTGTTTTTTAGACAGCAAAGAAAATAAACTGGAAAA-3'

ClinVar aggregate classification (germline): Pathogenic (1 of 4 stars; one submission).

Allele frequency attached by ClinVar (database versions not stated): TOPMed 0.00001; gnomAD exomes 0.00002; ExAC 0.00006.
gnomAD v4.1: 35 of 1,612,810 alleles (0.0022%); highest among the groups gnomAD compares: Non-Finnish European, 0.0029%; no homozygotes.

Submission:

Labcorp Genetics (formerly Invitae), Labcorp
Classification: Pathogenic. Last evaluated: 2021-08-17. Review status: criteria provided, single submitter. Criteria: Invitae Variant Classification Sherloc (09022015). Collection method: clinical testing. Allele origin: germline.
Comment: This sequence change creates a premature translational stop signal (p.Gln505*) in the DYM gene. It is expected to result in an absent or disrupted protein product. Loss-of-function variants in DYM are known to be pathogenic (PMID: 12491225, 12554689, 18996921). This variant is present in population databases (rs770130369, ExAC 0.01%). This variant has not been reported in the literature in individuals affected with DYM-related conditions. For these reasons, this variant has been classified as Pathogenic.

Literature cited by the submitters: PubMed 12491225; PubMed 12554689; PubMed 18996921.